The following is an entry in ClinVar:

ClinVar aggregate classification (germline): Pathogenic (1 of 4 stars; one submission).

Conditions:
Aortic valve disease 2 (AOVD2). Identifiers: MedGen C3542024, MONDO:0013902, OMIM 614823.

Submission:

Labcorp Genetics (formerly Invitae), Labcorp
Classification: Pathogenic for Aortic valve disease 2. Last evaluated: 2022-02-18. Review status: criteria provided, single submitter. Criteria: Invitae Variant Classification Sherloc (09022015). Collection method: clinical testing. Allele origin: germline.
Comment: For these reasons, this variant has been classified as Pathogenic. A similar copy number variant has been observed in individual(s) with Holt-Oram syndrome (Invitae). This variant results in a copy number gain of the genomic region encompassing exon(s) 8 of the TBX5 gene. While the exact position of this variant cannot be determined from the data, sub-genic copy number gains are generally in tandem (PMID: 25640679). This variant is predicted to be out-of-frame, and may result in an absent or disrupted protein product. Loss-of-function variants in TBX5 are known to be pathogenic (PMID: 16183809, 16917909).

Literature cited by the submitters: PubMed 25640679; PubMed 16183809; PubMed 16917909.

NC_000012.11:g.(?_114803950)_(114804216_?)dup

Gene: TBX5 (T-box transcription factor 5; minus strand). Cytogenetic location: 12q24.21.
Variant type: Duplication.
Identifiers: ClinVar variation 2422563 (VCV002422563.4).